The following is an entry in ClinVar:

ClinVar aggregate classification (germline): Pathogenic. Review status: criteria provided, multiple submitters, no conflicts (2 of 4 stars). 8 submissions from 8 submitters: Pathogenic (6). 2 of the submissions do not count toward it. Last evaluated 2025-12-09.

Conditions:
TP63-related disorder. Also called: TP63-related condition; TP63-Related Disorders. Identifiers: MedGen CN380159.
TP63-Related Spectrum Disorders.
Ectrodactyly, ectodermal dysplasia, and cleft lip-palate syndrome 3. Also called: EEC SYNDROME 3; Ectrodactyly, Ectodermal Dysplasia, Cleft Lip/Palate Syndrome 3 (EEC3); Ectrodactyly, Ectodermal Dysplasia, Clefting Syndrome; Ectrodactyly, Ectodermal Dysplasia, Clefting Syndrome Type 3 (EEC3). Identifiers: Orphanet 1896, MedGen C1858562, MONDO:0011428, OMIM 604292.

Submissions (8):

3billion
Classification: Pathogenic for TP63-related disorder. Last evaluated: 2025-12-09. Review status: criteria provided, single submitter. Criteria: ACMG Guidelines, 2015. Collection method: clinical testing. Allele origin: germline. Affected: yes.
Comment: The variant is not observed in the gnomAD v4.1.0 dataset. Predicted Consequence/Location: Missense variant. Missense changes are a common disease-causing mechanism. In silico tool predictions suggest damaging effect of the variant on gene or gene product [REVEL: 0.94 (>=0.6, sensitivity 0.68 and specificity 0.92); 3Cnet: 0.99 (> 0.75, sensitivity 0.96 and precision 0.92)]. The same nucleotide change resulting in the same amino acid change has been previously reported as pathogenic/likely pathogenic with strong evidence (ClinVar ID: VCV000650760 /PMID: 11462173). Different missense changes at the same codon (p.Arg318Gln, p.Arg318His, p.Arg318Ser) have been reported as pathogenic/likely pathogenic with strong evidence (ClinVar ID: VCV000006533 /PMID: 10535733, 11462173, 19903181 /3billion dataset). Therefore, this variant is classified as Pathogenic according to the recommendation of ACMG/AMP guideline.

Bioscientia Institut fuer Medizinische Diagnostik GmbH, Sonic Healthcare
Classification: Pathogenic for Ectrodactyly, ectodermal dysplasia, and cleft lip-palate syndrome 3. Last evaluated: 2025-02-27. Review status: criteria provided, single submitter. Criteria: ACMG Guidelines, 2015. Collection method: clinical testing. Allele origin: germline. Affected: yes.

PreventionGenetics, part of Exact Sciences
Classification: Pathogenic for TP63-related condition. Last evaluated: 2024-12-16. Review status: criteria provided, single submitter. Criteria: ACMG Guidelines, 2015. Collection method: clinical testing. Allele origin: germline.
Comment: The TP63 c.952C>T variant is predicted to result in the amino acid substitution p.Arg318Cys. This variant has been reported to be causative for TP63-related disorders in three families affected with ectrodactyly, ectodermal dysplasia, cleft lip/palate syndrome (reported as R279C, Table 2, van Bokhoven et al. 2001. PubMed ID: 11462173). This variant has not been reported in a large population database, indicating this variant is rare. It is interpreted as pathogenic in ClinVar. In addition, sequence variants affecting the same or nearby amino acids have also been reported to be causative for TP63-related disease (Celli et al. 1999. PubMed ID: 10535733; Table 2, van Bokhoven et al. 2001. PubMed ID: 11462173). The c.952C>T (p.Arg318Cys) variant is interpreted as pathogenic.

Blueprint Genetics
Classification: Pathogenic for TP63-related disorders. Last evaluated: 2024-11-18. Review status: criteria provided, single submitter. Criteria: ACMG Guidelines, 2015. Collection method: clinical testing. Allele origin: germline. Affected: yes. Observed: 4 variant alleles.

Labcorp Genetics (formerly Invitae), Labcorp
Classification: Pathogenic. Last evaluated: 2024-04-22. Review status: criteria provided, single submitter. Criteria: Invitae Variant Classification Sherloc (09022015). Collection method: clinical testing. Allele origin: germline.
Comment: This sequence change replaces arginine, which is basic and polar, with cysteine, which is neutral and slightly polar, at codon 318 of the TP63 protein (p.Arg318Cys). This variant is not present in population databases (gnomAD no frequency). This missense change has been observed in individual(s) with clinical features of ectrodactyly, ectodermal dysplasia and facial clefts syndrome (EEC syndrome) (PMID: 11462173; Invitae). ClinVar contains an entry for this variant (Variation ID: 650760). Advanced modeling performed at Invitae incorporating data from internal and/or published experimental studies (Invitae) indicates that this missense variant is expected to disrupt TP63 function with a positive predictive value of 95%. Experimental studies have shown that this missense change affects TP63 function (PMID: 18626511, 21652629). This variant disrupts the p.Arg318 amino acid residue in TP63. Other variant(s) that disrupt this residue have been determined to be pathogenic (PMID: 12525544, 23355676, 23431748). This suggests that this residue is clinically significant, and that variants that disrupt this residue are likely to be disease-causing. For these reasons, this variant has been classified as Pathogenic.

GeneDx
Classification: Pathogenic. Last evaluated: 2023-11-22. Review status: criteria provided, single submitter. Criteria: GeneDx Variant Classification Process June 2021. Collection method: clinical testing. Allele origin: germline. Affected: yes.
Comment: Not observed at significant frequency in large population cohorts (gnomAD); In silico analysis supports that this missense variant has a deleterious effect on protein structure/function; This variant is associated with the following publications: (PMID: 14684701, 21652629, 11683779, 31299979, 30088137, 17224651, 11462173)

Diagnostic Laboratory, Department of Genetics, University Medical Center Groningen
Classification: Pathogenic. Review status: no assertion criteria provided. Collection method: clinical testing. Allele origin: germline. Affected: yes. Study: VKGL Data-share Consensus. Not counted in ClinVar's aggregate classification.

Joint Genome Diagnostic Labs from Nijmegen and Maastricht, Radboudumc and MUMC+
Classification: Pathogenic. Review status: no assertion criteria provided. Collection method: clinical testing. Allele origin: germline. Affected: yes. Study: VKGL Data-share Consensus. Not counted in ClinVar's aggregate classification.

Literature cited by the submitters: PubMed 10535733 (cited by 3billion); PubMed 11462173 (cited by 3billion and Labcorp Genetics (formerly Invitae), Labcorp); PubMed 18626511 (cited by Labcorp Genetics (formerly Invitae), Labcorp); PubMed 21652629 (cited by Labcorp Genetics (formerly Invitae), Labcorp); PubMed 12525544 (cited by Labcorp Genetics (formerly Invitae), Labcorp); PubMed 23355676 (cited by Labcorp Genetics (formerly Invitae), Labcorp); PubMed 23431748 (cited by Labcorp Genetics (formerly Invitae), Labcorp).

NM_003722.5(TP63):c.952C>T (p.Arg318Cys)

Gene: TP63 (tumor protein p63; plus strand). Cytogenetic location: 3q28.
Variant type: single nucleotide variant.
Coding change: c.952C>T on transcript NM_003722.5 (MANE Select); coding-DNA position 952, C replaced by T.
Protein change: p.Arg318Cys; replaces arginine 318 with cysteine.
Molecular consequence: missense variant.
Genome position (GRCh38, 1-based): chr3:189,867,902, C>T. VCF-style: chr3-189867902-C-T. GRCh37 (hg19) VCF-style: chr3-189585691-C-T.
Other names: c.952C>T, p.Arg318Cys (NM_001114978.2, NM_001114979.2, NM_001329144.2 and 1 more transcripts); c.670C>T, p.Arg224Cys (NM_001114980.2, NM_001114981.2, NM_001114982.2 and 2 more transcripts); c.415C>T, p.Arg139Cys (NM_001329146.2, NM_001329150.2); c.946C>T, p.Arg316Cys (NM_001329964.2); short protein forms R316C, R139C, R224C, R318C.
Identifiers: ClinVar variation 650760 (VCV000650760.15), dbSNP rs1205536026, ClinGen allele CA355754995.